The following is an entry in ClinVar:

NM_000258.3(MYL3):c.143C>T (p.Pro48Leu)

Gene: MYL3 (myosin light chain 3; minus strand). Cytogenetic location: 3p21.31.
Variant type: single nucleotide variant.
Coding change: c.143C>T on transcript NM_000258.3 (MANE Select); coding-DNA position 143, C replaced by T.
Protein change: p.Pro48Leu; replaces proline 48 with leucine.
Molecular consequence: missense variant. On other transcripts: 5 prime UTR variant (2).
Genome position (GRCh38, 1-based): chr3:46,860,974, G>A on the plus strand (C>T on the coding strand, the complement: MYL3 is on the minus strand). VCF-style: chr3-46860974-G-A. GRCh37 (hg19) VCF-style: chr3-46902464-G-A.
Other names: c.143C>T, p.Pro48Leu (NM_001406937.1, NM_001406938.1, NM_001406939.1); c.-32C>T (NM_001406940.1, NM_001406941.1); short protein forms P48L.
Identifiers: ClinVar variation 3069305 (VCV003069305.1), dbSNP rs1231133405, ClinGen allele CA352498847.

ClinVar aggregate classification (germline): Uncertain significance (1 of 4 stars; one submission).

Conditions:
Hypertrophic cardiomyopathy. Also called: HYPERTROPHIC MYOCARDIOPATHY. Identifiers: Orphanet 217569, MedGen C0007194, MeSH D002312, MONDO:0005045, HP:0001639.

Submission:

All of Us Research Program, National Institutes of Health
Classification: Uncertain significance for Hypertrophic cardiomyopathy. Last evaluated: 2022-11-28. Review status: criteria provided, single submitter. Criteria: ACMG Guidelines, 2015. Collection method: clinical testing. Allele origin: germline. Inheritance: Autosomal dominant inheritance. Observed: 1 variant allele, 1 heterozygote.
Comment: This study involves interpretation of variants in research participants for the purpose of population health screening. Participant phenotype was not available at the time of variant classification. Additional details can be found in publication PMID: 35346344, PMCID: PMC8962531